The following is an entry in ClinVar:

NM_001349253.2(SCN11A):c.3502G>A (p.Val1168Ile)

Genes: SCN11A (sodium voltage-gated channel alpha subunit 11; minus strand), LOC126806652 (CDK7 strongly-dependent group 2 enhancer GRCh37_chr3:38912374-38913573; plus strand). Cytogenetic location: 3p22.2.
Variant type: single nucleotide variant.
Coding change: c.3502G>A on transcript NM_001349253.2 (MANE Select); coding-DNA position 3502, G replaced by A.
Protein change: p.Val1168Ile; replaces valine 1168 with isoleucine.
Molecular consequence: missense variant.
Genome position (GRCh38, 1-based): chr3:38,871,702, C>T on the plus strand (G>A on the coding strand, the complement: SCN11A is on the minus strand). VCF-style: chr3-38871702-C-T. GRCh37 (hg19) VCF-style: chr3-38913193-C-T.
Other names: p.Val1168Ile; c.3502G>A, p.Val1168Ile (NM_014139.3); c.3502G>A (NM_014139.2); short protein forms V1168I.
Identifiers: ClinVar variation 1920958 (VCV001920958.6), dbSNP rs956421791, ClinGen allele CA72979852.

ClinVar aggregate classification (germline): Uncertain significance. Review status: criteria provided, multiple submitters, no conflicts (2 of 4 stars). 2 submissions from 2 submitters: Uncertain significance (2). Last evaluated 2023-08-18.

Conditions:
Hereditary sensory and autonomic neuropathy type 7. Also called: Neuropathy, hereditary sensory and autonomic, type VII; HSAN VII. Identifiers: Orphanet 391397, MedGen C3809882, MONDO:0014244, OMIM 615548.
Familial episodic pain syndrome with predominantly lower limb involvement. Also called: Episodic pain syndrome, familial, 3. Identifiers: Orphanet 391384, Orphanet 391392, MedGen C3809899, MONDO:0014247, OMIM 615552.

Allele frequency attached by ClinVar (database versions not stated): gnomAD exomes below 0.00001; gnomAD 0.00001; TOPMed 0.00002.
gnomAD v4.1: 6 of 1,594,566 alleles (0.00038%); highest among the groups gnomAD compares: Non-Finnish European, 0.00051%; no homozygotes.

Submissions (2):

Mayo Clinic Laboratories, Mayo Clinic
Classification: Uncertain significance. Last evaluated: 2023-08-18. Review status: criteria provided, single submitter. Criteria: ACMG Guidelines, 2015. Collection method: clinical testing. Allele origin: germline. Observed: 1 variant allele.

Labcorp Genetics (formerly Invitae), Labcorp
Classification: Uncertain significance for Familial episodic pain syndrome with predominantly lower limb involvement; Hereditary sensory and autonomic neuropathy type 7. Last evaluated: 2022-06-28. Review status: criteria provided, single submitter. Criteria: Invitae Variant Classification Sherloc (09022015). Collection method: clinical testing. Allele origin: germline.
Comment: This variant is present in population databases (no rsID available, gnomAD 0.001%). This sequence change replaces valine, which is neutral and non-polar, with isoleucine, which is neutral and non-polar, at codon 1168 of the SCN11A protein (p.Val1168Ile). In summary, the available evidence is currently insufficient to determine the role of this variant in disease. Therefore, it has been classified as a Variant of Uncertain Significance. Algorithms developed to predict the effect of missense changes on protein structure and function (SIFT, PolyPhen-2, Align-GVGD) all suggest that this variant is likely to be disruptive. This variant has not been reported in the literature in individuals affected with SCN11A-related conditions.